The following is an entry in ClinVar:

NM_001130917.3(LILRA2):c.480T>C (p.Asp160=)

Gene: LILRA2 (leukocyte immunoglobulin like receptor A2; plus strand). Cytogenetic location: 19q13.42.
Variant type: single nucleotide variant.
Coding change: c.480T>C on transcript NM_001130917.3 (MANE Select); coding-DNA position 480, T replaced by C.
Protein change: p.Asp160=; no amino-acid change (aspartic acid 160 retained).
Molecular consequence: synonymous variant.
Genome position (GRCh38, 1-based): chr19:54,574,858, T>C. VCF-style: chr19-54574858-T-C. GRCh37 (hg19) VCF-style: chr19-55086325-T-C.
Other names: c.444T>C, p.Asp148= (NM_001290270.1); c.480T>C, p.Asp160= (NM_001290271.2, NM_006866.4).
Identifiers: ClinVar variation 4681274 (VCV004681274.5).

ClinVar aggregate classification (germline): Likely benign (1 of 4 stars; one submission).

Submission:

CeGaT Center for Human Genetics Tuebingen
Classification: Likely benign. Last evaluated: 2025-11-01. Review status: criteria provided, single submitter. Criteria: CeGaT Center For Human Genetics Tuebingen Variant Classification Criteria Version 2. Collection method: clinical testing. Allele origin: germline. Affected: yes. Observed: 1 variant allele.
Comment: LILRA2: BP4, BP7